The following is an entry in ClinVar:

ClinVar aggregate classification (germline): Uncertain significance. Review status: criteria provided, multiple submitters, no conflicts (2 of 4 stars). 2 submissions from 2 submitters: Uncertain significance (2). Last evaluated 2026-04-01.

Conditions:
ITGA2B-related disorder. Also called: ITGA2B-related condition; ITGA2B-related disorders.

gnomAD v4.1: 14 of 1,612,818 alleles (0.00087%); highest among the groups gnomAD compares: East Asian, 0.013%; no homozygotes.

Submissions (2):

PreventionGenetics, part of Exact Sciences
Classification: Uncertain significance for ITGA2B-related condition. Last evaluated: 2026-04-01. Review status: criteria provided, single submitter. Criteria: ACMG Guidelines, 2015. Collection method: clinical testing. Allele origin: germline.
Comment: The ITGA2B c.2182G>A variant is predicted to result in the amino acid substitution p.Ala728Thr. To our knowledge, this variant has not been reported in the literature. This variant is reported in 0.00088% of alleles in individuals of European (Non-Finnish) descent in gnomAD. At this time, the clinical significance of this variant is uncertain due to the absence of conclusive functional and genetic evidence.

Mayo Clinic Laboratories, Mayo Clinic
Classification: Uncertain significance. Last evaluated: 2025-10-26. Review status: criteria provided, single submitter. Criteria: ACMG Guidelines, 2015. Collection method: clinical testing. Allele origin: germline. Observed: 1 variant allele.
Comment: BP4

NM_000419.5(ITGA2B):c.2182G>A (p.Ala728Thr)

Gene: ITGA2B (integrin subunit alpha 2b; minus strand). Cytogenetic location: 17q21.31.
Variant type: single nucleotide variant.
Coding change: c.2182G>A on transcript NM_000419.5 (MANE Select); coding-DNA position 2182, G replaced by A.
Protein change: p.Ala728Thr; replaces alanine 728 with threonine.
Molecular consequence: missense variant.
Genome position (GRCh38, 1-based): chr17:44,377,703, C>T on the plus strand (G>A on the coding strand, the complement: ITGA2B is on the minus strand). VCF-style: chr17-44377703-C-T. GRCh37 (hg19) VCF-style: chr17-42455071-C-T.
Other names: p.Ala728Thr; c.2182G>A (NM_000419.4); short protein forms A728T.
Identifiers: ClinVar variation 4542184 (VCV004542184.2).